The following is an entry in ClinVar:

ClinVar aggregate classification (germline): Uncertain significance (1 of 4 stars; one submission).

Conditions:
Saldino-Mainzer syndrome (SRTD9). Also called: CONORENAL SYNDROME; Renal dysplasia, retinal pigmentary dystrophy, cerebellar ataxia and skeletal dysplasia; SHORT-RIB THORACIC DYSPLASIA 9 WITHOUT POLYDACTYLY; short-rib thoracic dysplasia 9 with or without polydactyly. Identifiers: Orphanet 140969, MedGen C1849437, MONDO:0009964, OMIM 266920.

Submission:

Labcorp Genetics (formerly Invitae), Labcorp
Classification: Uncertain significance for Saldino-Mainzer syndrome. Last evaluated: 2022-06-03. Review status: criteria provided, single submitter. Criteria: Invitae Variant Classification Sherloc (09022015). Collection method: clinical testing. Allele origin: germline.
Comment: In summary, the available evidence is currently insufficient to determine the role of this variant in disease. Therefore, it has been classified as a Variant of Uncertain Significance. Algorithms developed to predict the effect of missense changes on protein structure and function are either unavailable or do not agree on the potential impact of this missense change (SIFT: "Deleterious"; PolyPhen-2: "Possibly Damaging"; Align-GVGD: "Class C0"). This variant has not been reported in the literature in individuals affected with IFT140-related conditions. This variant is not present in population databases (gnomAD no frequency). This sequence change replaces glycine, which is neutral and non-polar, with valine, which is neutral and non-polar, at codon 883 of the IFT140 protein (p.Gly883Val).

NM_014714.4(IFT140):c.2648G>T (p.Gly883Val)

Gene: IFT140 (intraflagellar transport 140; minus strand). Cytogenetic location: 16p13.3.
Variant type: single nucleotide variant.
Coding change: c.2648G>T on transcript NM_014714.4 (MANE Select); coding-DNA position 2648, G replaced by T.
Protein change: p.Gly883Val; replaces glycine 883 with valine.
Molecular consequence: missense variant.
Genome position (GRCh38, 1-based): chr16:1,526,007, C>A on the plus strand (G>T on the coding strand, the complement: IFT140 is on the minus strand). VCF-style: chr16-1526007-C-A. GRCh37 (hg19) VCF-style: chr16-1576008-C-A.
Other names: short protein forms G883V.
Identifiers: ClinVar variation 1999994 (VCV001999994.4), dbSNP rs2506128972, ClinGen allele CA394227528.